The following is an entry in ClinVar:

NM_000088.4(COL1A1):c.2460C>T (p.Asp820=)

Gene: COL1A1 (collagen type I alpha 1 chain; minus strand). Cytogenetic location: 17q21.33.
Variant type: single nucleotide variant.
Coding change: c.2460C>T on transcript NM_000088.4 (MANE Select); coding-DNA position 2460, C replaced by T.
Protein change: p.Asp820=; no amino-acid change (aspartic acid 820 retained).
Molecular consequence: synonymous variant.
Genome position (GRCh38, 1-based): chr17:50,190,100, G>A on the plus strand (C>T on the coding strand, the complement: COL1A1 is on the minus strand). VCF-style: chr17-50190100-G-A. GRCh37 (hg19) VCF-style: chr17-48267461-G-A.
Identifiers: ClinVar variation 1791629 (VCV001791629.8), dbSNP rs769410207, ClinGen allele CA8644791.

ClinVar aggregate classification (germline): Likely benign. Review status: criteria provided, multiple submitters, no conflicts (2 of 4 stars). 3 submissions from 3 submitters: Likely benign (2). 1 of the submissions does not count toward it. Last evaluated 2026-01-11.

Conditions:
Osteogenesis imperfecta type I (OI1). Also called: OI, TYPE I; OSTEOGENESIS IMPERFECTA TARDA; OSTEOGENESIS IMPERFECTA WITH BLUE SCLERAE; Osteogenesis imperfecta type 1; Lobstein's Disease; Lobstein disease. Identifiers: Orphanet 216796, Orphanet 666, MedGen C0023931, MONDO:0008146, OMIM 166200. Disease mechanism: loss of function.
Cardiovascular phenotype. Identifiers: MedGen CN230736.
COL1A1-related disorder. Also called: COL1A1- related disease; COL1A1-related condition.

Allele frequency attached by ClinVar (database versions not stated): gnomAD exomes 0.00002; ExAC 0.00003; gnomAD 0.00003; TOPMed 0.00003.

Submissions (3):

Labcorp Genetics (formerly Invitae), Labcorp
Classification: Likely benign for Osteogenesis imperfecta type I. Last evaluated: 2026-01-11. Review status: criteria provided, single submitter. Criteria: Invitae Variant Classification Sherloc (09022015). Collection method: clinical testing. Allele origin: germline.

Ambry Genetics
Classification: Likely benign for Cardiovascular phenotype. Last evaluated: 2020-01-27. Review status: criteria provided, single submitter. Criteria: Ambry Variant Classification Scheme 2023. Collection method: clinical testing. Allele origin: germline.

PreventionGenetics, part of Exact Sciences
Classification: Likely benign for COL1A1-related condition. Last evaluated: 2019-07-15. Review status: no assertion criteria provided. Collection method: clinical testing. Allele origin: germline. Not counted in ClinVar's aggregate classification.
Comment: This variant is classified as likely benign based on ACMG/AMP sequence variant interpretation guidelines (Richards et al. 2015 PMID: 25741868, with internal and published modifications).